The following is an entry in ClinVar:

NM_017934.7(PHIP):c.4152T>C (p.Asp1384=)

Genes: IRAK1BP1 (interleukin 1 receptor associated kinase 1 binding protein 1; plus strand), PHIP (PHIP subunit of CUL4-Ring ligase complex; minus strand). Cytogenetic location: 6q14.1.
Variant type: single nucleotide variant.
Coding change: c.4152T>C on transcript NM_017934.7 (MANE Select); coding-DNA position 4152, T replaced by C.
Protein change: p.Asp1384=; no amino-acid change (aspartic acid 1384 retained).
Molecular consequence: synonymous variant.
Genome position (GRCh38, 1-based): chr6:78,947,677, A>G on the plus strand (T>C on the coding strand, the complement: PHIP is on the minus strand). VCF-style: chr6-78947677-A-G. GRCh37 (hg19) VCF-style: chr6-79657394-A-G.
Identifiers: ClinVar variation 4980111 (VCV004980111.1).
Genomic context (GRCh38, chr6:78,947,677, plus strand): 5'-ATATACCCTTGATCTTTTGCTTGGTGTATATGCTTTGGAATTACTGAAAATAAGTCTGAC[A>G]TCTTTACATAACTCCATTGGTGACTCATAATTCCCAGCCTCTAAAGTTTCTCTAACGGTA-3'
Protein context (NP_060404.4, residues 1374-1394): NYESPMELCK[Asp1384=]VRLIFSNSKA

ClinVar aggregate classification (germline): Likely benign (1 of 4 stars; one submission).

Conditions:
PHIP-related disorder. Also called: PHIP-related condition; PHIP-related disorders.

gnomAD v4.1: 3 of 1,530,958 alleles (0.0002%); highest among the groups gnomAD compares: Non-Finnish European, 0.00027%; no homozygotes.

Submission:

PreventionGenetics, part of Exact Sciences
Classification: Likely benign for PHIP-related condition. Last evaluated: 2026-08-25. Review status: criteria provided, single submitter. Criteria: ACMG Guidelines, 2015. Collection method: clinical testing. Allele origin: germline.
Comment: This variant is classified as likely benign based on ACMG/AMP sequence variant interpretation guidelines (Richards et al. 2015 PMID: 25741868, with internal and published modifications).